The following is an entry in ClinVar:

ClinVar aggregate classification (germline): Benign/Likely benign. Review status: criteria provided, multiple submitters, no conflicts (2 of 4 stars). 6 submissions from 6 submitters: Benign (4); Likely benign (2). Last evaluated 2026-03-01.

Conditions:
Inborn genetic diseases. Identifiers: MedGen C0950123, MeSH D030342.

Allele frequency attached by ClinVar (database versions not stated): gnomAD exomes 0.00100; ExAC 0.00128; ESP Exome Variant Server 0.00383; gnomAD 0.00413 and 0.00441; TOPMed 0.00491; 1000 Genomes Project 0.00639; 1000 Genomes Project 30x 0.00671.
gnomAD v4.1: 1,224 of 1,597,418 alleles (0.077%); highest among the groups gnomAD compares: African/African-American, 1.4%; 10 homozygotes.

Submissions (6):

CeGaT Center for Human Genetics Tuebingen
Classification: Likely benign. Last evaluated: 2026-03-01. Review status: criteria provided, single submitter. Criteria: CeGaT Center For Human Genetics Tuebingen Variant Classification Criteria Version 2. Collection method: clinical testing. Allele origin: germline. Affected: yes. Observed: 3 variant alleles.
Comment: CHD8: BP4, BS1

Labcorp Genetics (formerly Invitae), Labcorp
Classification: Benign. Last evaluated: 2026-01-31. Review status: criteria provided, single submitter. Criteria: Invitae Variant Classification Sherloc (09022015). Collection method: clinical testing. Allele origin: germline.

Blueprint Genetics
Classification: Likely benign. Last evaluated: 2024-11-14. Review status: criteria provided, single submitter. Criteria: ACMG Guidelines, 2015. Collection method: clinical testing. Allele origin: germline.

GeneDx
Classification: Benign. Last evaluated: 2021-03-18. Review status: criteria provided, single submitter. Criteria: GeneDx Variant Classification Process June 2021. Collection method: clinical testing. Allele origin: germline. Affected: yes.

Ambry Genetics
Classification: Benign for Inborn genetic diseases. Last evaluated: 2016-07-29. Review status: criteria provided, single submitter. Criteria: Ambry Variant Classification Scheme 2023. Collection method: clinical testing. Allele origin: germline.

Breakthrough Genomics
Classification: Benign. Review status: criteria provided, single submitter. Criteria: ACMG Guidelines, 2015. Collection method: not provided. Allele origin: germline. Inheritance: Autosomal dominant inheritance. Affected: yes.

NM_001170629.2(CHD8):c.5121T>C (p.Asp1707=)

Gene: CHD8 (chromodomain helicase DNA binding protein 8; minus strand). Cytogenetic location: 14q11.2.
Variant type: single nucleotide variant.
Coding change: c.5121T>C on transcript NM_001170629.2 (MANE Select); coding-DNA position 5121, T replaced by C.
Protein change: p.Asp1707=; no amino-acid change (aspartic acid 1707 retained).
Molecular consequence: synonymous variant.
Genome position (GRCh38, 1-based): chr14:21,395,823, A>G on the plus strand (T>C on the coding strand, the complement: CHD8 is on the minus strand). VCF-style: chr14-21395823-A-G. GRCh37 (hg19) VCF-style: chr14-21863982-A-G.
Other names: c.4284T>C, p.Asp1428= (NM_020920.4).
Identifiers: ClinVar variation 588114 (VCV000588114.32), dbSNP rs61729945, ClinGen allele CA7091039.